The following is an entry in ClinVar:

NM_001161352.2(KCNMA1):c.455T>C (p.Val152Ala)

Gene: KCNMA1 (potassium calcium-activated channel subfamily M alpha 1; minus strand). Cytogenetic location: 10q22.3.
Variant type: single nucleotide variant.
Coding change: c.455T>C on transcript NM_001161352.2 (MANE Select); coding-DNA position 455, T replaced by C.
Protein change: p.Val152Ala; replaces valine 152 with alanine.
Molecular consequence: missense variant. On other transcripts: intron variant (1).
Genome position (GRCh38, 1-based): chr10:77,403,947, A>G on the plus strand (T>C on the coding strand, the complement: KCNMA1 is on the minus strand). VCF-style: chr10-77403947-A-G. GRCh37 (hg19) VCF-style: chr10-79163705-A-G.
Other names: c.455T>C, p.Val152Ala (NM_001014797.3, NM_001161353.2, NM_001271519.2 and 8 more transcripts); c.379-152691T>C (NM_001271518.2); c.455T>C (NM_002247.3); short protein forms V152A.
Identifiers: ClinVar variation 2709797 (VCV002709797.5), dbSNP rs2552212817, ClinGen allele CA377411101.

ClinVar aggregate classification (germline): Uncertain significance. Review status: criteria provided, multiple submitters, no conflicts (2 of 4 stars). 3 submissions from 3 submitters: Uncertain significance (3). Last evaluated 2025-04-05.

Conditions:
Inborn genetic diseases. Identifiers: MedGen C0950123, MeSH D030342.
Generalized epilepsy-paroxysmal dyskinesia syndrome (PNKD3). Also called: Generalized epilepsy and paroxysmal dyskinesia; Paroxysmal nonkinesigenic dyskinesia, 3, with or without generalized epilepsy. Identifiers: Orphanet 79137, MedGen C5574945, MONDO:0012276, OMIM 609446.

Allele frequency attached by ClinVar (database versions not stated): gnomAD exomes below 0.00001.
gnomAD v4.1: 6 of 1,614,196 alleles (0.00037%); highest among the groups gnomAD compares: East Asian, 0.0022%; no homozygotes.

Submissions (3):

Ambry Genetics
Classification: Uncertain significance for Inborn genetic diseases. Last evaluated: 2025-04-05. Review status: criteria provided, single submitter. Criteria: Ambry Variant Classification Scheme 2023. Collection method: clinical testing. Allele origin: germline.

GeneDx
Classification: Uncertain significance. Last evaluated: 2024-04-15. Review status: criteria provided, single submitter. Criteria: GeneDx Variant Classification Process June 2021. Collection method: clinical testing. Allele origin: germline. Affected: yes.
Comment: Not observed at significant frequency in large population cohorts (gnomAD); In silico analysis indicates that this missense variant does not alter protein structure/function; Has not been previously published as pathogenic or benign to our knowledge

Labcorp Genetics (formerly Invitae), Labcorp
Classification: Uncertain significance for Generalized epilepsy-paroxysmal dyskinesia syndrome. Last evaluated: 2024-01-17. Review status: criteria provided, single submitter. Criteria: Invitae Variant Classification Sherloc (09022015). Collection method: clinical testing. Allele origin: germline.
Comment: This sequence change replaces valine, which is neutral and non-polar, with alanine, which is neutral and non-polar, at codon 152 of the KCNMA1 protein (p.Val152Ala). This variant is not present in population databases (gnomAD no frequency). This variant has not been reported in the literature in individuals affected with KCNMA1-related conditions. Advanced modeling of protein sequence and biophysical properties (such as structural, functional, and spatial information, amino acid conservation, physicochemical variation, residue mobility, and thermodynamic stability) performed at Invitae indicates that this missense variant is not expected to disrupt KCNMA1 protein function with a negative predictive value of 80%. In summary, the available evidence is currently insufficient to determine the role of this variant in disease. Therefore, it has been classified as a Variant of Uncertain Significance.